The following is an entry in ClinVar:

ClinVar aggregate classification (germline): Likely benign. Review status: criteria provided, multiple submitters, no conflicts (2 of 4 stars). 4 submissions from 4 submitters: Likely benign (4). Last evaluated 2026-07-01.

Allele frequency attached by ClinVar (database versions not stated): 1000 Genomes Project 30x 0.00125; TOPMed 0.00129; 1000 Genomes Project 0.00140; gnomAD 0.00147 and 0.00171; ESP Exome Variant Server 0.00162; gnomAD exomes 0.00212 and 0.00258; ExAC 0.00261.
gnomAD v4.1: 3,391 of 1,609,250 alleles (0.21%); highest among the groups gnomAD compares: Middle Eastern, 1.2%; 26 homozygotes.

Submissions (4):

CeGaT Center for Human Genetics Tuebingen
Classification: Likely benign. Last evaluated: 2026-07-01. Review status: criteria provided, single submitter. Criteria: CeGaT Center For Human Genetics Tuebingen Variant Classification Criteria Version 2. Collection method: clinical testing. Allele origin: germline. Affected: yes. Observed: 2 variant alleles.
Comment: MCTP2: BP4, BS2

Genomic Medicine Center of Excellence, King Faisal Specialist Hospital and Research Centre
Classification: Likely benign. Last evaluated: 2025-08-18. Review status: criteria provided, single submitter. Criteria: ACMG Guidelines, 2015. Collection method: clinical testing. Allele origin: germline.

Labcorp Genetics (formerly Invitae), Labcorp
Classification: Likely benign. Last evaluated: 2019-12-31. Review status: criteria provided, single submitter. Criteria: Invitae Variant Classification Sherloc (09022015). Collection method: clinical testing. Allele origin: germline.

Breakthrough Genomics
Classification: Likely benign. Review status: criteria provided, single submitter. Criteria: ACMG Guidelines, 2015. Collection method: not provided. Allele origin: germline. Inheritance: Unknown mechanism. Affected: yes.

NM_001385001.1(MCTP2):c.1028G>A (p.Arg343Gln)

Gene: MCTP2 (multiple C2 and transmembrane domain containing 2; plus strand). Cytogenetic location: 15q26.2.
Variant type: single nucleotide variant.
Coding change: c.1028G>A on transcript NM_001385001.1 (MANE Select); coding-DNA position 1028, G replaced by A.
Protein change: p.Arg343Gln; replaces arginine 343 with glutamine.
Molecular consequence: missense variant. On other transcripts: 5 prime UTR variant (1), non-coding transcript variant (7).
Genome position (GRCh38, 1-based): chr15:94,356,159, G>A. VCF-style: chr15-94356159-G-A. GRCh37 (hg19) VCF-style: chr15-94899388-G-A.
Other names: c.1028G>A, p.Arg343Gln (NM_001159643.2, NM_001385002.1, NM_001385003.1 and 5 more transcripts); c.-144G>A (NM_001159644.2); c.746G>A, p.Arg249Gln (NM_001385007.1); c.530G>A, p.Arg177Gln (NM_001385009.1, NM_001385010.1); c.710G>A, p.Arg237Gln (NM_001385011.1); short protein forms R343Q, R177Q, R237Q, R249Q.
Identifiers: ClinVar variation 778104 (VCV000778104.30), dbSNP rs77311454, ClinGen allele CA7749833.